The following is an entry in ClinVar:

NM_001330078.2(NRXN1):c.1006A>G (p.Lys336Glu)

Gene: NRXN1 (neurexin 1; minus strand). Cytogenetic location: 2p16.3.
Variant type: single nucleotide variant.
Coding change: c.1006A>G on transcript NM_001330078.2 (MANE Select); coding-DNA position 1006, A replaced by G.
Protein change: p.Lys336Glu; replaces lysine 336 with glutamic acid.
Molecular consequence: missense variant.
Genome position (GRCh38, 1-based): chr2:50,623,442, T>C on the plus strand (A>G on the coding strand, the complement: NRXN1 is on the minus strand). VCF-style: chr2-50623442-T-C. GRCh37 (hg19) VCF-style: chr2-50850580-T-C.
Other names: c.1105A>G, p.Lys369Glu (NM_001135659.3); c.1006A>G, p.Lys336Glu (NM_001330077.2, NM_001330082.2, NM_001330085.2 and 3 more transcripts); c.946A>G, p.Lys316Glu (NM_001330083.2, NM_001330084.2, NM_001330087.2 and 1 more transcripts); c.976A>G, p.Lys326Glu (NM_001330088.2); c.1003A>G, p.Lys335Glu (NM_001330093.2); c.994A>G, p.Lys332Glu (NM_001330094.2); short protein forms K335E, K336E, K332E, K369E, K316E, K326E.
Identifiers: ClinVar variation 2703041 (VCV002703041.3), dbSNP rs1471641590, ClinGen allele CA346822342.

ClinVar aggregate classification (germline): Uncertain significance (1 of 4 stars; one submission).

Conditions:
Pitt-Hopkins-like syndrome 2 (PTHSL2). Identifiers: Orphanet 221150, Orphanet 600663, MedGen C3280479, MONDO:0013690, OMIM 614325.

Allele frequency attached by ClinVar (database versions not stated): gnomAD exomes below 0.00001; TOPMed below 0.00001.
gnomAD v4.1: 2 of 1,613,502 alleles (0.00012%); no homozygotes.

Submission:

Labcorp Genetics (formerly Invitae), Labcorp
Classification: Uncertain significance for Pitt-Hopkins-like syndrome 2. Last evaluated: 2024-05-06. Review status: criteria provided, single submitter. Criteria: Invitae Variant Classification Sherloc (09022015). Collection method: clinical testing. Allele origin: germline.
Comment: This sequence change replaces lysine, which is basic and polar, with glutamic acid, which is acidic and polar, at codon 369 of the NRXN1 protein (p.Lys369Glu). This variant is present in population databases (no rsID available, gnomAD 0.004%). This variant has not been reported in the literature in individuals affected with NRXN1-related conditions. An algorithm developed to predict the effect of missense changes on protein structure and function (PolyPhen-2) suggests that this variant is likely to be disruptive. In summary, the available evidence is currently insufficient to determine the role of this variant in disease. Therefore, it has been classified as a Variant of Uncertain Significance.